The following is an entry in ClinVar:

NM_144997.7(FLCN):c.946A>C (p.Ser316Arg)

Gene: FLCN (folliculin; minus strand). Cytogenetic location: 17p11.2.
Variant type: single nucleotide variant.
Coding change: c.946A>C on transcript NM_144997.7 (MANE Select); coding-DNA position 946, A replaced by C.
Protein change: p.Ser316Arg; replaces serine 316 with arginine.
Molecular consequence: missense variant.
Genome position (GRCh38, 1-based): chr17:17,219,135, T>G on the plus strand (A>C on the coding strand, the complement: FLCN is on the minus strand). VCF-style: chr17-17219135-T-G. GRCh37 (hg19) VCF-style: chr17-17122449-T-G.
Other names: c.1000A>C, p.Ser334Arg (NM_001353229.2); c.946A>C, p.Ser316Arg (NM_001353230.2, NM_001353231.2); short protein forms S334R, S316R.
Identifiers: ClinVar variation 3850582 (VCV003850582.1).

ClinVar aggregate classification (germline): Uncertain significance (1 of 4 stars; one submission).

Conditions:
Hereditary cancer-predisposing syndrome. Also called: Hereditary neoplastic syndrome; Neoplastic Syndromes, Hereditary; Tumor predisposition; Hereditary Cancer Syndrome. Identifiers: Orphanet 140162, MedGen C0027672, MeSH D009386, MONDO:0015356.

Submission:

Ambry Genetics
Classification: Uncertain significance for Hereditary cancer-predisposing syndrome. Last evaluated: 2025-02-13. Review status: criteria provided, single submitter. Criteria: Ambry Variant Classification Scheme 2023. Collection method: clinical testing. Allele origin: germline.
Comment: The p.S316R variant (also known as c.946A>C), located in coding exon 6 of the FLCN gene, results from an A to C substitution at nucleotide position 946. The serine at codon 316 is replaced by arginine, an amino acid with dissimilar properties. This amino acid position is conserved. In addition, this alteration is predicted to be tolerated by in silico analysis. Based on the available evidence, the clinical significance of this variant remains unclear.